The following is an entry in ClinVar:

ClinVar aggregate classification (germline): Conflicting classifications of pathogenicity. Review status: criteria provided, conflicting classifications (1 of 4 stars). 5 submissions from 5 submitters: Uncertain significance (3); Likely benign (1). 1 of the submissions does not count toward it. Last evaluated 2026-01-19.

Conditions:
Cardiomyopathy (CMYO). Also called: Cardiomyopathies. Identifiers: Orphanet 167848, MedGen C0878544, MONDO:0004994, HP:0001638. Inheritance: Various modes of inheritance.
Duchenne muscular dystrophy (DMD). Also called: MUSCULAR DYSTROPHY, PSEUDOHYPERTROPHIC PROGRESSIVE, DUCHENNE TYPE; Duchenne Muscular Dystrophy (DMD). Identifiers: Orphanet 98896, MedGen C0013264, MONDO:0010679, OMIM 310200.
Becker muscular dystrophy (BMD). Also called: Becker Muscular Dystrophy (BMD); MUSCULAR DYSTROPHY, PSEUDOHYPERTROPHIC PROGRESSIVE, BECKER TYPE. Identifiers: Orphanet 98895, MedGen C0917713, MONDO:0010311, OMIM 300376.
Dystrophin deficiency.
Dilated cardiomyopathy 3B (CMD3B). Also called: CMD3B: DMD-Related Dilated Cardiomyopathy; CARDIOMYOPATHY, DILATED, X-LINKED; DMD-Associated Dilated Cardiomyopathy. Identifiers: Orphanet 154, MedGen C3668940, MONDO:0010542, OMIM 302045.
Cardiovascular phenotype. Identifiers: MedGen CN230736.

Allele frequency attached by ClinVar (database versions not stated): ExAC 0.00001; gnomAD exomes 0.00001 and 0.00002; gnomAD 0.00002; TOPMed 0.00003.
gnomAD v4.1: 25 of 1,206,156 alleles (0.0021%); highest among the groups gnomAD compares: Non-Finnish European, 0.0027%; no homozygotes.

Submissions (5):

Labcorp Genetics (formerly Invitae), Labcorp
Classification: Likely benign for Duchenne muscular dystrophy. Last evaluated: 2026-01-19. Review status: criteria provided, single submitter. Criteria: Invitae Variant Classification Sherloc (09022015). Collection method: clinical testing. Allele origin: germline.

Ambry Genetics
Classification: Uncertain significance for Cardiovascular phenotype. Last evaluated: 2023-07-13. Review status: criteria provided, single submitter. Criteria: Ambry Variant Classification Scheme 2023. Collection method: clinical testing. Allele origin: germline.
Comment: The p.V100I variant (also known as c.298G>A), located in coding exon 5 of the DMD gene, results from a G to A substitution at nucleotide position 298. The valine at codon 100 is replaced by isoleucine, an amino acid with highly similar properties. Based on data from gnomAD, the A allele has an overall frequency of 0.001% (2/183259) total alleles studied, with 1 hemizygotes observed. The highest observed frequency was 0.002% (2/81832) of non-Finnish European alleles. This amino acid position is highly conserved in available vertebrate species. In addition, this alteration is predicted to be deleterious by in silico analysis. Since supporting evidence is limited at this time, the clinical significance of this alteration remains unclear.

Fulgent Genetics
Classification: Uncertain significance for Becker muscular dystrophy; Dilated cardiomyopathy 3B; Duchenne muscular dystrophy. Last evaluated: 2021-07-25. Review status: criteria provided, single submitter. Criteria: ACMG Guidelines, 2015. Collection method: clinical testing. Allele origin: unknown.

Laboratory for Molecular Medicine, Mass General Brigham Personalized Medicine
Classification: Uncertain significance. Last evaluated: 2015-07-28. Review status: criteria provided, single submitter. Criteria: LMM Criteria. Collection method: clinical testing. Allele origin: germline. Observed: 1 variant allele.
Comment: The p.Val100Ile variant in DMD has not been previously reported in individuals w ith cardiomyopathy, but has been identified in 1/47970 European chromosomes by t he Exome Aggregation Consortium (ExAC; dbSNP rs7 79099343). Computational prediction tools and conservation analysis suggest that this variant may impact the protein, though this information is not predictive enough to determine pathogenicity. In summary, the clinical significance of the p.Val100Ile variant is uncertain.

Natera, Inc.
Classification: Uncertain significance for Becker muscular dystrophy; Cardiomyopathy; Duchenne muscular dystrophy; Dystrophin deficiency. Last evaluated: 2020-05-07. Review status: no assertion criteria provided. Collection method: clinical testing. Allele origin: germline. Not counted in ClinVar's aggregate classification.

NM_004006.3(DMD):c.298G>A (p.Val100Ile)

Gene: DMD (dystrophin; minus strand). Cytogenetic location: Xp21.1.
Variant type: single nucleotide variant.
Coding change: c.298G>A on transcript NM_004006.3 (MANE Select); coding-DNA position 298, G replaced by A.
Protein change: p.Val100Ile; replaces valine 100 with isoleucine.
Molecular consequence: missense variant. On other transcripts: 5 prime UTR variant (1).
Genome position (GRCh38, 1-based): chrX:32,823,354, C>T on the plus strand (G>A on the coding strand, the complement: DMD is on the minus strand). VCF-style: chrX-32823354-C-T. GRCh37 (hg19) VCF-style: chrX-32841471-C-T.
Other names: c.274G>A, p.Val92Ile (NM_000109.4); c.286G>A, p.Val96Ile (NM_004009.3); c.-72G>A (NM_004010.3); short protein forms V100I, V92I, V96I.
Identifiers: ClinVar variation 228583 (VCV000228583.14), dbSNP rs779099343, ClinGen allele CA10380189.